The following is an entry in ClinVar:

NM_000548.5(TSC2):c.4490C>T (p.Pro1497Leu)

Gene: TSC2 (TSC complex subunit 2; plus strand). Cytogenetic location: 16p13.3.
Variant type: single nucleotide variant.
Coding change: c.4490C>T on transcript NM_000548.5 (MANE Select); coding-DNA position 4490, C replaced by T.
Protein change: p.Pro1497Leu; replaces proline 1497 with leucine.
Molecular consequence: missense variant.
Genome position (GRCh38, 1-based): chr16:2,084,712, C>T. VCF-style: chr16-2084712-C-T. GRCh37 (hg19) VCF-style: chr16-2134713-C-T.
Other names: c.4289C>T, p.Pro1430Leu (NM_001077183.3); c.4421C>T, p.Pro1474Leu (NM_001114382.3); c.4181C>T, p.Pro1394Leu (NM_001318827.2); c.4145C>T, p.Pro1382Leu (NM_001318829.2); c.3758C>T, p.Pro1253Leu (NM_001318831.2); c.4322C>T, p.Pro1441Leu (NM_001318832.2); c.4292C>T, p.Pro1431Leu (NM_001363528.2); c.4358C>T, p.Pro1453Leu (NM_001370404.1); and 1 more; short protein forms P1253L, P1430L, P1431L, P1454L, P1474L, P1497L, P1382L, P1394L.
Identifiers: ClinVar variation 1457373 (VCV001457373.11), dbSNP rs45497997, ClinGen allele CA394302616.

ClinVar aggregate classification (germline): Pathogenic/Likely pathogenic. Review status: criteria provided, multiple submitters, no conflicts (2 of 4 stars). 3 submissions from 3 submitters: Pathogenic (2); Likely pathogenic (1). Last evaluated 2026-05-06.

Conditions:
Tuberous sclerosis 2 (TSC2). Identifiers: Orphanet 805, MedGen C1860707, MONDO:0013199, OMIM 613254.
TSC2-related disorder. Also called: TSC2-Related Disorders; TSC2-related condition.

Submissions (3):

Institute of Human Genetics, University of Leipzig Medical Center
Classification: Pathogenic for Tuberous sclerosis 2. Last evaluated: 2026-05-06. Review status: criteria provided, single submitter. Criteria: ACMG Guidelines, 2015. Collection method: clinical testing. Allele origin: de novo. Inheritance: Autosomal dominant inheritance. Affected: yes.
Comment: Criteria applied: PM5_STR,PS4_MOD,PM2,PP3,PS2

Blueprint Genetics
Classification: Likely pathogenic for TSC2-related disorders. Last evaluated: 2021-08-30. Review status: criteria provided, single submitter. Criteria: ACMG Guidelines, 2015. Collection method: clinical testing. Allele origin: germline. Affected: yes. Observed: 1 variant allele.

Labcorp Genetics (formerly Invitae), Labcorp
Classification: Pathogenic for Tuberous sclerosis 2. Last evaluated: 2020-10-28. Review status: criteria provided, single submitter. Criteria: Invitae Variant Classification Sherloc (09022015). Collection method: clinical testing. Allele origin: germline.
Comment: This variant has been observed in individual(s) with clinical features of tuberous sclerosis complex (PMID: 28643795, 24271014, 31655562, Invitae). For these reasons, this variant has been classified as Pathogenic. This variant disrupts the p.Pro1497 amino acid residue in TSC2. Other variant(s) that disrupt this residue have been determined to be pathogenic (PMID: 10205261, 21309039). This suggests that this residue is clinically significant, and that variants that disrupt this residue are likely to be disease-causing. Algorithms developed to predict the effect of missense changes on protein structure and function are either unavailable or do not agree on the potential impact of this missense change (SIFT: "Deleterious"; PolyPhen-2: "Probably Damaging"; Align-GVGD: "Class C0"). This variant is not present in population databases (ExAC no frequency). This sequence change replaces proline with leucine at codon 1497 of the TSC2 protein (p.Pro1497Leu). The proline residue is highly conserved and there is a moderate physicochemical difference between proline and leucine.

Literature cited by the submitters: PubMed 28643795 (cited by Labcorp Genetics (formerly Invitae), Labcorp); PubMed 24271014 (cited by Labcorp Genetics (formerly Invitae), Labcorp); PubMed 31655562 (cited by Labcorp Genetics (formerly Invitae), Labcorp); PubMed 10205261 (cited by Labcorp Genetics (formerly Invitae), Labcorp); PubMed 21309039 (cited by Labcorp Genetics (formerly Invitae), Labcorp).